The following is an entry in ClinVar:

ClinVar aggregate classification (germline): Likely pathogenic. Review status: criteria provided, multiple submitters, no conflicts (2 of 4 stars). 4 submissions from 4 submitters: Likely pathogenic (4). Last evaluated 2025-10-21.

Conditions:
Differences in sex development.
Persistent Mullerian duct syndrome (PMDS). Also called: PERSISTENT MULLERIAN DUCT SYNDROME, TYPES I AND II; FEMALE GENITAL DUCTS IN OTHERWISE NORMAL MALE; HERNIA UTERI INGUINALE; PERSISTENT OVIDUCT SYNDROME; PSEUDOHERMAPHRODITISM, MALE INTERNAL. Identifiers: Orphanet 2856, MedGen C1849930, MONDO:0009857, OMIM 261550.

gnomAD v4.1: 45 of 1,528,912 alleles (0.0029%); highest among the groups gnomAD compares: South Asian, 0.035%; no homozygotes.

Submissions (4):

NHS Central & South Genomic Laboratory Hub
Classification: Likely pathogenic for Differences in sex development. Last evaluated: 2025-10-21. Review status: criteria provided, single submitter. Criteria: ACMG Guidelines, 2015. Collection method: clinical testing. Allele origin: germline. Affected: yes.

Victorian Clinical Genetics Services, Murdoch Childrens Research Institute
Classification: Likely pathogenic for Persistent Mullerian duct syndrome. Last evaluated: 2024-10-22. Review status: criteria provided, single submitter. Criteria: ACMG Guidelines, 2015. Collection method: clinical testing. Allele origin: germline. Affected: yes.
Comment: This variant is classified as Likely pathogenic. Evidence in support of pathogenic classification: Variant is present in gnomAD <0.01 for a recessive condition (v4: 45 heterozygote(s), 0 homozygote(s)); This variant has moderate previous evidence of pathogenicity in unrelated individuals. This variant has been reported in multiple unrelated compound heterozygous individuals with persistent Mullerian duct syndrome (PMID: 34810374). This variant has also been reported in multiple unrelated homozygous individuals in the literature; however, it is unclear where these patients were originally published (Mastermind); Another missense variant comparable to the one identified in this case has limited previous evidence for pathogenicity. p.(Gly101Val) has been reported in a compound heterozygous individual with persistent Mullerian duct syndrome (PMID: 8162013). Additional information: Variant is predicted to result in a missense amino acid change from glycine to arginine; This variant is homozygous; This gene is associated with autosomal recessive disease; An alternative amino acid change at the same position has been observed in gnomAD (v4: 1 heterozygote(s), 0 homozygote(s)); Variant is located in the annotated anti-Mullerian hormone, N terminal region domain (DECIPHER); Missense variant with an inconclusive in silico prediction and uninformative conservation; Loss of function is a known mechanism of disease in this gene and is associated with persistent Mullerian duct syndrome, type I (MIM#261550); Inheritance information for this variant is not currently available in this individual.

Fulgent Genetics
Classification: Likely pathogenic for Persistent Mullerian duct syndrome. Last evaluated: 2024-05-09. Review status: criteria provided, single submitter. Criteria: ACMG Guidelines, 2015. Collection method: clinical testing. Allele origin: germline.

Juno Genomics, Hangzhou Juno Genomics, Inc
Classification: Likely pathogenic for Persistent Mullerian duct syndrome. Review status: criteria provided, single submitter. Criteria: ACMG Guidelines, 2015. Collection method: clinical testing. Allele origin: germline.
Comment: Absent from controls (or at extremely low frequency if recessive) in Genome Aggregation Database.;For recessive disorders, detected in trans with a pathogenic variant.;Patient's phenotype or family history is highly specific for a disease with a single genetic etiology.

Literature cited by the submitters: PubMed 34810374 (cited by Victorian Clinical Genetics Services, Murdoch Childrens Research Institute); PubMed 8162013 (cited by Victorian Clinical Genetics Services, Murdoch Childrens Research Institute).

NM_000479.5(AMH):c.301G>A (p.Gly101Arg)

Gene: AMH (anti-Mullerian hormone; plus strand). Cytogenetic location: 19p13.3.
Variant type: single nucleotide variant.
Coding change: c.301G>A on transcript NM_000479.5 (MANE Select); coding-DNA position 301, G replaced by A.
Protein change: p.Gly101Arg; replaces glycine 101 with arginine.
Molecular consequence: missense variant.
Genome position (GRCh38, 1-based): chr19:2,249,633, G>A. VCF-style: chr19-2249633-G-A. GRCh37 (hg19) VCF-style: chr19-2249632-G-A.
Other names: short protein forms G101R.
Identifiers: ClinVar variation 3583554 (VCV003583554.7).